The following is an entry in ClinVar:

ClinVar aggregate classification (germline): Conflicting classifications of pathogenicity. Review status: criteria provided, conflicting classifications (1 of 4 stars). 3 submissions from 3 submitters: Likely pathogenic (1); Uncertain significance (2). Last evaluated 2021-05-13.

Conditions:
Cardiomyopathy, familial restrictive, 1. Identifiers: Orphanet 75249, MedGen C1861861, MONDO:0007270, OMIM 115210.
Hypertrophic cardiomyopathy 7. Also called: TNNI3-Related Familial Hypertrophic Cardiomyopathy; Familial hypertrophic cardiomyopathy 7; CARDIOMYOPATHY, FAMILIAL HYPERTROPHIC, 7, MODIFIER OF. Identifiers: MedGen C1860752, MONDO:0013369, OMIM 613690.
Dilated cardiomyopathy 1FF (CMD1FF). Identifiers: Orphanet 154, MedGen C2750091, MONDO:0013211, OMIM 613286.
Hypertrophic cardiomyopathy. Also called: HYPERTROPHIC MYOCARDIOPATHY. Identifiers: Orphanet 217569, MedGen C0007194, MeSH D002312, MONDO:0005045, HP:0001639.

Submissions (3):

Labcorp Genetics (formerly Invitae), Labcorp
Classification: Uncertain significance for Hypertrophic cardiomyopathy. Last evaluated: 2021-05-13. Review status: criteria provided, single submitter. Criteria: Invitae Variant Classification Sherloc (09022015). Collection method: clinical testing. Allele origin: germline.
Comment: In summary, the available evidence is currently insufficient to determine the role of this variant in disease. Therefore, it has been classified as a Variant of Uncertain Significance. This variant disrupts the p.Arg170 amino acid residue in TNNI3. Other variant(s) that disrupt this residue have been determined to be pathogenic (Invitae). This suggests that this residue is clinically significant, and that variants that disrupt this residue are likely to be disease-causing. Experimental studies have shown that this variant affects TNNI3 protein function (PMID: 32182250). This variant has been observed in individual(s) with clinical features of TNNI3-related conditions (PMID: 25326637, 32182250). ClinVar contains an entry for this variant (Variation ID: 165517). This variant is not present in population databases (ExAC no frequency). This sequence change replaces arginine with glycine at codon 170 of the TNNI3 protein (p.Arg170Gly). The arginine residue is highly conserved and there is a moderate physicochemical difference between arginine and glycine.

Laboratory for Molecular Medicine, Mass General Brigham Personalized Medicine
Classification: Uncertain significance. Last evaluated: 2013-05-22. Review status: criteria provided, single submitter. Criteria: LMM Criteria. Collection method: clinical testing. Allele origin: germline. Observed: 1 variant allele.
Comment: Variant classified as Uncertain Significance - Favor Pathogenic. The Arg170Gly v ariant in TNNI3 has not been reported in individuals with cardiomyopathy or in l arge population studies. Computational analyses (biochemical amino acid properti es, conservation, AlignGVGD, PolyPhen2, and SIFT) do not provide strong support for or against an impact to the protein. Of note, a different amino acid change at the same location, Arg170Gln, has been reported in one individual with HCM (K aski, 2009) and identified by our laboratory in 6 children with RCM (in 2 of the se, parental testing revealed de novo occurrence). This increases the likelihood that the Arg170Gly variant is disease causing; however, additional information is still needed to fully assess the clinical significance of this variant.

UCLA Clinical Genomics Center, UCLA
Classification: Likely pathogenic for Dilated cardiomyopathy 1FF; Familial hypertrophic cardiomyopathy 7; Familial restrictive cardiomyopathy 1. Last evaluated: 2013-02-19. Review status: criteria provided, single submitter. Criteria: Lee et al. (JAMA. 2014). Collection method: clinical testing. Allele origin: germline. Inheritance: Autosomal dominant inheritance. Affected: yes. Study: CES.

Literature cited by the submitters: PubMed 32182250 (cited by Labcorp Genetics (formerly Invitae), Labcorp); PubMed 25326637 (cited by Labcorp Genetics (formerly Invitae), Labcorp); PubMed 20031618 (cited by Laboratory for Molecular Medicine, Mass General Brigham Personalized Medicine).

NM_000363.5(TNNI3):c.508C>G (p.Arg170Gly)

Gene: TNNI3 (troponin I3, cardiac type; minus strand). Cytogenetic location: 19q13.42.
Variant type: single nucleotide variant.
Coding change: c.508C>G on transcript NM_000363.5 (MANE Select); coding-DNA position 508, C replaced by G.
Protein change: p.Arg170Gly; replaces arginine 170 with glycine.
Molecular consequence: missense variant.
Genome position (GRCh38, 1-based): chr19:55,154,071, G>C on the plus strand (C>G on the coding strand, the complement: TNNI3 is on the minus strand). VCF-style: chr19-55154071-G-C. GRCh37 (hg19) VCF-style: chr19-55665439-G-C.
Other names: short protein forms R170G.
Identifiers: ClinVar variation 165517 (VCV000165517.13), dbSNP rs727503504, ClinGen allele CA021769.